The following is an entry in ClinVar:

NM_002734.5(PRKAR1A):c.331G>T (p.Ala111Ser)

Gene: PRKAR1A (protein kinase cAMP-dependent type I regulatory subunit alpha; plus strand). Cytogenetic location: 17q24.2.
Variant type: single nucleotide variant.
Coding change: c.331G>T on transcript NM_002734.5 (MANE Select); coding-DNA position 331, G replaced by T.
Protein change: p.Ala111Ser; replaces alanine 111 with serine.
Molecular consequence: missense variant.
Genome position (GRCh38, 1-based): chr17:68,522,909, G>T. VCF-style: chr17-68522909-G-T. GRCh37 (hg19) VCF-style: chr17-66519050-G-T.
Other names: c.331G>T, p.Ala111Ser (NM_001276289.2, NM_001276290.1, NM_001278433.2 and 4 more transcripts); short protein forms A111S.
Identifiers: ClinVar variation 3222767 (VCV003222767.2), dbSNP rs1472324247, ClinGen allele CA400752489.

ClinVar aggregate classification (germline): Uncertain significance. Review status: criteria provided, multiple submitters, no conflicts (2 of 4 stars). 2 submissions from 2 submitters: Uncertain significance (2). Last evaluated 2025-05-01.

Conditions:
Hereditary cancer-predisposing syndrome. Also called: Tumor predisposition; Hereditary neoplastic syndrome; Hereditary Cancer Syndrome; Neoplastic Syndromes, Hereditary. Identifiers: Orphanet 140162, MedGen C0027672, MeSH D009386, MONDO:0015356.
Carney complex, type 1 (CNC1). Also called: CARNEY MYXOMA-ENDOCRINE COMPLEX; CARNEY COMPLEX, TYPE I. Identifiers: Orphanet 1359, MedGen C2607929, MONDO:0008057, OMIM 160980.

Submissions (2):

Labcorp Genetics (formerly Invitae), Labcorp
Classification: Uncertain significance for Carney complex, type 1. Last evaluated: 2025-05-01. Review status: criteria provided, single submitter. Criteria: Invitae Variant Classification Sherloc (09022015). Collection method: clinical testing. Allele origin: germline.
Comment: This sequence change replaces alanine, which is neutral and non-polar, with serine, which is neutral and polar, at codon 111 of the PRKAR1A protein (p.Ala111Ser). The frequency data for this variant in the population databases is considered unreliable, as metrics indicate poor data quality at this position in the gnomAD database. This variant has not been reported in the literature in individuals affected with PRKAR1A-related conditions. ClinVar contains an entry for this variant (Variation ID: 3222767). Invitae Evidence Modeling of protein sequence and biophysical properties (such as structural, functional, and spatial information, amino acid conservation, physicochemical variation, residue mobility, and thermodynamic stability) indicates that this missense variant is not expected to disrupt PRKAR1A protein function with a negative predictive value of 95%. In summary, the available evidence is currently insufficient to determine the role of this variant in disease. Therefore, it has been classified as a Variant of Uncertain Significance.

Ambry Genetics
Classification: Uncertain significance for Hereditary cancer-predisposing syndrome. Last evaluated: 2023-10-31. Review status: criteria provided, single submitter. Criteria: Ambry Variant Classification Scheme 2023. Collection method: clinical testing. Allele origin: germline.
Comment: The p.A111S variant (also known as c.331G>T), located in coding exon 2 of the PRKAR1A gene, results from a G to T substitution at nucleotide position 331. The alanine at codon 111 is replaced by serine, an amino acid with similar properties. This amino acid position is well conserved in available vertebrate species. In addition, the in silico prediction for this alteration is inconclusive. Since supporting evidence is limited at this time, the clinical significance of this alteration remains unclear.